The following is an entry in ClinVar:

NM_000548.5(TSC2):c.629C>A (p.Ala210Glu)

Gene: TSC2 (TSC complex subunit 2; plus strand). Cytogenetic location: 16p13.3.
Variant type: single nucleotide variant.
Coding change: c.629C>A on transcript NM_000548.5 (MANE Select); coding-DNA position 629, C replaced by A.
Protein change: p.Ala210Glu; replaces alanine 210 with glutamic acid.
Molecular consequence: missense variant. On other transcripts: 5 prime UTR variant (10), non-coding transcript variant (5).
Genome position (GRCh38, 1-based): chr16:2,056,225, C>A. VCF-style: chr16-2056225-C-A. GRCh37 (hg19) VCF-style: chr16-2106226-C-A.
Other names: c.629C>A, p.Ala210Glu (NM_001077183.3, NM_001114382.3, NM_001363528.2 and 8 more transcripts); c.518C>A, p.Ala173Glu (NM_001318827.2, NM_001406670.1, NM_001406678.1); c.482C>A, p.Ala161Glu (NM_001318829.2, NM_001406675.1, NM_001406676.1 and 1 more transcripts); c.29C>A, p.Ala10Glu (NM_001318831.2, NM_001406680.1, NM_001406682.1 and 6 more transcripts); c.662C>A, p.Ala221Glu (NM_001318832.2); c.719C>A, p.Ala240Glu (NM_001406667.1, NM_001406668.1); c.572C>A, p.Ala191Glu (NM_001406677.1); c.167C>A, p.Ala56Glu (NM_001406681.1); and 4 more; short protein forms A161E, A191E, A56E, A10E, A173E, A210E, A221E, A240E.
Identifiers: ClinVar variation 2626445 (VCV002626445.2), dbSNP rs764925296, ClinGen allele CA394310859.
Genomic context (GRCh38, chr16:2,056,225, plus strand): 5'-CTGCCGGGACTGAGCTCGGTGCTCCCTGCAGGATGATCTGTCTGCTGTGCGTCCGGACCG[C>A]GTCCTCTGTGGACATAGAGGTCAGTGCCTCCCCTCCCCAGGGCCGGCCCATTTCACCCTG-3'
Protein context (NP_000539.2, residues 200-220): QMICLLCVRT[Ala210Glu]SSVDIEVSLQ

ClinVar aggregate classification (germline): Uncertain significance (1 of 4 stars; one submission).

Conditions:
Hereditary cancer-predisposing syndrome. Also called: Tumor predisposition; Hereditary Cancer Syndrome; Hereditary neoplastic syndrome; Neoplastic Syndromes, Hereditary. Identifiers: Orphanet 140162, MedGen C0027672, MeSH D009386, MONDO:0015356.

Submission:

Ambry Genetics
Classification: Uncertain significance for Hereditary cancer-predisposing syndrome. Last evaluated: 2023-08-29. Review status: criteria provided, single submitter. Criteria: Ambry Variant Classification Scheme 2023. Collection method: clinical testing. Allele origin: germline.
Comment: The p.A210E variant (also known as c.629C>A), located in coding exon 6 of the TSC2 gene, results from a C to A substitution at nucleotide position 629. The alanine at codon 210 is replaced by glutamic acid, an amino acid with dissimilar properties. This amino acid position is conserved. In addition, this alteration is predicted to be tolerated by in silico analysis. Since supporting evidence is limited at this time, the clinical significance of this alteration remains unclear.